The following is an entry in ClinVar:

NM_006939.4(SOS2):c.3187C>A (p.Pro1063Thr)

Gene: SOS2 (SOS Ras/Rho guanine nucleotide exchange factor 2; minus strand). Cytogenetic location: 14q21.3.
Variant type: single nucleotide variant.
Coding change: c.3187C>A on transcript NM_006939.4 (MANE Select); coding-DNA position 3187, C replaced by A.
Protein change: p.Pro1063Thr; replaces proline 1063 with threonine.
Molecular consequence: missense variant.
Genome position (GRCh38, 1-based): chr14:50,130,651, G>T on the plus strand (C>A on the coding strand, the complement: SOS2 is on the minus strand). VCF-style: chr14-50130651-G-T. GRCh37 (hg19) VCF-style: chr14-50597369-G-T.
Other names: short protein forms P1063T.
Identifiers: ClinVar variation 1314075 (VCV001314075.2), dbSNP rs2139512845, ClinGen allele CA389640809.
Genomic context (GRCh38, chr14:50,130,651, plus strand): 5'-GTGCTGACACTGTTGATTCCAGCTCAGTTTCAGCAATCCGACTAAAGCTTATTTTACATG[G>T]TTCTCTTTCTAATGGTGTTGGGTGACCTCGTAAAGTACCTGAGGTAGAGCCATGTCGGCC-3'
Protein context (NP_008870.2, residues 1053-1073): RGHPTPLERE[Pro1063Thr]CKISFSRIAE

ClinVar aggregate classification (germline): Uncertain significance (1 of 4 stars; one submission).

Allele frequency attached by ClinVar (database versions not stated): gnomAD exomes below 0.00001.
gnomAD v4.1: 1 of 1,614,160 alleles (0.000062%); highest among the groups gnomAD compares: Non-Finnish European, 0.000085%; no homozygotes.

Submission:

GeneDx
Classification: Uncertain significance. Last evaluated: 2021-08-03. Review status: criteria provided, single submitter. Criteria: GeneDx Variant Classification Process June 2021. Collection method: clinical testing. Allele origin: germline. Affected: yes.
Comment: Not observed at significant frequency in large population cohorts (Lek et al., 2016); In silico analysis supports that this missense variant does not alter protein structure/function; Has not been previously published as pathogenic or benign to our knowledge